The following is an entry in ClinVar:

ClinVar aggregate classification (germline): Pathogenic/Likely pathogenic. Review status: criteria provided, multiple submitters, no conflicts (2 of 4 stars). 2 submissions from 2 submitters: Pathogenic (1); Likely pathogenic (1). Last evaluated 2025-01-27.

Conditions:
CLCN7-related disorder. Also called: CLCN7-related condition.

Submissions (2):

Labcorp Genetics (formerly Invitae), Labcorp
Classification: Pathogenic. Last evaluated: 2025-01-27. Review status: criteria provided, single submitter. Criteria: Invitae Variant Classification Sherloc (09022015). Collection method: clinical testing. Allele origin: germline.
Comment: This sequence change replaces serine, which is neutral and polar, with phenylalanine, which is neutral and non-polar, at codon 290 of the CLCN7 protein (p.Ser290Phe). This variant is not present in population databases (gnomAD no frequency). This missense change has been observed in individual(s) with autosomal dominant osteopetrosis (PMID: 21947783). In at least one individual the variant was observed to be de novo. ClinVar contains an entry for this variant (Variation ID: 2137755). Invitae Evidence Modeling of protein sequence and biophysical properties (such as structural, functional, and spatial information, amino acid conservation, physicochemical variation, residue mobility, and thermodynamic stability) indicates that this missense variant is expected to disrupt CLCN7 protein function with a positive predictive value of 95%. For these reasons, this variant has been classified as Pathogenic.

Blueprint Genetics
Classification: Likely pathogenic for CLCN7-related disorders. Last evaluated: 2019-04-23. Review status: criteria provided, single submitter. Criteria: ACMG Guidelines, 2015. Collection method: clinical testing. Allele origin: germline. Affected: yes. Observed: 1 variant allele.

Literature cited by the submitters: PubMed 21947783 (cited by Labcorp Genetics (formerly Invitae), Labcorp).

NM_001287.6(CLCN7):c.869C>T (p.Ser290Phe)

Gene: CLCN7 (Cl-/H+ antiporter 7; minus strand). Cytogenetic location: 16p13.3.
Variant type: single nucleotide variant.
Coding change: c.869C>T on transcript NM_001287.6 (MANE Select); coding-DNA position 869, C replaced by T.
Protein change: p.Ser290Phe; replaces serine 290 with phenylalanine.
Molecular consequence: missense variant.
Genome position (GRCh38, 1-based): chr16:1,456,160, G>A on the plus strand (C>T on the coding strand, the complement: CLCN7 is on the minus strand). VCF-style: chr16-1456160-G-A. GRCh37 (hg19) VCF-style: chr16-1506161-G-A.
Other names: c.797C>T, p.Ser266Phe (NM_001114331.3); short protein forms S266F, S290F.
Identifiers: ClinVar variation 2137755 (VCV002137755.5), dbSNP rs2505833486, ClinGen allele CA394190354.
Genomic context (GRCh38, chr16:1,456,160, plus strand): 5'-CGGCCCTCCTCACCCACGGGGGCTCCAAACGCCGCTGACACTCCGGCCGCAGCCCCTGCG[G>A]AGACGAAGTCCCGCTTCTCTGTGTCTCTGCGGAAGTACTCGAAGATCTGCAACAGGGACA-3'
Protein context (NP_001278.1, residues 280-300): RRDTEKRDFV[Ser290Phe]AGAAAGVSAA